The following is an entry in ClinVar:

ClinVar aggregate classification (germline): Conflicting classifications of pathogenicity. Review status: criteria provided, conflicting classifications (1 of 4 stars). 2 submissions from 2 submitters: Uncertain significance (1); Likely benign (1). Last evaluated 2025-03-12.

Conditions:
Gastrointestinal stromal tumor. Also called: Gastrointestinal stromal tumor, somatic; Gastrointestinal stroma tumor. Identifiers: Orphanet 44890, MedGen C0238198, MeSH D046152, MONDO:0011719, OMIM 606764, HP:0100723.
Pheochromocytoma/paraganglioma syndrome 4. Also called: CAROTID BODY TUMORS AND MULTIPLE EXTRAADRENAL PHEOCHROMOCYTOMAS; PARAGANGLIOMA, FAMILIAL MALIGNANT; PARAGANGLIOMAS, HEREDITARY EXTRAADRENAL; PHEOCHROMOCYTOMA, FAMILIAL EXTRAADRENAL; Paragangliomas 4; SDHB-Related Hereditary Paraganglioma-Pheochromocytoma Syndrome (Paragangliomas 4). Identifiers: Orphanet 29072, MedGen C1861848, MONDO:0007273, OMIM 115310.

Submissions (2):

Myriad Genetics, Inc.
Classification: Likely benign for Pheochromocytoma/paraganglioma syndrome 4. Last evaluated: 2025-03-12. Review status: criteria provided, single submitter. Criteria: Myriad Autosomal Dominant, Autosomal Recessive and X-Linked Classification Criteria (2023). Collection method: clinical testing. Allele origin: unknown.
Comment: This variant is considered likely benign. This variant is intronic and is not expected to impact mRNA splicing.

Baylor Genetics
Classification: Uncertain significance for Gastrointestinal stromal tumor. Last evaluated: 2023-02-28. Review status: criteria provided, single submitter. Criteria: ACMG Guidelines, 2015. Collection method: clinical testing. Allele origin: unknown.

NM_003000.3(SDHB):c.287-6T>C

Gene: SDHB (succinate dehydrogenase complex iron sulfur subunit B; minus strand). Cytogenetic location: 1p36.13.
Variant type: single nucleotide variant.
Coding change: c.287-6T>C on transcript NM_003000.3 (MANE Select); 6 bases into the intron before coding-DNA position 287, T replaced by C.
Molecular consequence: intron variant.
Genome position (GRCh38, 1-based): chr1:17,028,742, A>G on the plus strand (T>C on the coding strand, the complement: SDHB is on the minus strand). VCF-style: chr1-17028742-A-G. GRCh37 (hg19) VCF-style: chr1-17355237-A-G.
Other names: c.287-6T>C (NM_001407361.1).
Identifiers: ClinVar variation 2678647 (VCV002678647.2), dbSNP rs2525020995, ClinGen allele CA2695197979.